The following is an entry in ClinVar:

NM_000059.4(BRCA2):c.1669T>A (p.Leu557Ile)

Gene: BRCA2 (BRCA2 DNA repair associated; plus strand). Cytogenetic location: 13q13.1.
Variant type: single nucleotide variant.
Coding change: c.1669T>A on transcript NM_000059.4 (MANE Select); coding-DNA position 1669, T replaced by A.
Protein change: p.Leu557Ile; replaces leucine 557 with isoleucine.
Molecular consequence: missense variant.
Genome position (GRCh38, 1-based): chr13:32,333,147, T>A. VCF-style: chr13-32333147-T-A. GRCh37 (hg19) VCF-style: chr13-32907284-T-A.
Other names: short protein forms L557I.
Identifiers: ClinVar variation 185407 (VCV000185407.13), dbSNP rs786202150, ClinGen allele CA012849.

ClinVar aggregate classification (germline): Conflicting classifications of pathogenicity. Review status: criteria provided, conflicting classifications (1 of 4 stars). 4 submissions from 4 submitters: Uncertain significance (2); Likely benign (2). Last evaluated 2023-12-22.

Conditions:
Hereditary cancer-predisposing syndrome. Also called: Hereditary neoplastic syndrome; Neoplastic Syndromes, Hereditary; Tumor predisposition; Hereditary Cancer Syndrome. Identifiers: Orphanet 140162, MedGen C0027672, MeSH D009386, MONDO:0015356.
Hereditary breast ovarian cancer syndrome. Also called: Hereditary breast and ovarian cancer syndrome (HBOC); Breast and ovarian cancer; Hereditary breast and/or ovarian cancer syndrome; BRCA1- and BRCA2-Associated Hereditary Breast and Ovarian Cancer; Hereditary breast and ovarian cancer syndrome; Hereditary breast and ovarian cancer. Identifiers: Orphanet 145, MedGen C0677776, MeSH D061325, MONDO:0003582. Disease mechanism: loss of function.

Allele frequency attached by ClinVar (database versions not stated): gnomAD 0.00001; TOPMed 0.00001.
gnomAD v4.1: 1 of 1,614,024 alleles (0.000062%); highest among the groups gnomAD compares: Non-Finnish European, 0.000085%; no homozygotes.

Submissions (4):

Ambry Genetics
Classification: Likely benign for Hereditary cancer-predisposing syndrome. Last evaluated: 2023-12-22. Review status: criteria provided, single submitter. Criteria: Ambry Variant Classification Scheme 2023. Collection method: clinical testing. Allele origin: germline.

University of Washington Department of Laboratory Medicine, University of Washington
Classification: Likely benign for Hereditary cancer-predisposing syndrome. Last evaluated: 2023-03-23. Review status: criteria provided, single submitter. Criteria: Dines et al. (Genet Med. 2020). Collection method: curation. Allele origin: germline.
Comment: Missense variant in a coldspot region where missense variants are very unlikely to be pathogenic (PMID:31911673).

BRCA2 exon 10 coldspot. Reclassification based on statistical prior probability.

Color Diagnostics, LLC DBA Color Health
Classification: Uncertain significance for Hereditary cancer-predisposing syndrome. Last evaluated: 2022-11-16. Review status: criteria provided, single submitter. Criteria: ACMG Guidelines, 2015. Collection method: clinical testing. Allele origin: germline.
Comment: This missense variant replaces leucine with isoleucine at codon 557 of the BRCA2 protein. Computational prediction suggests that this variant may not impact protein structure and function (internally defined REVEL score threshold <= 0.5, PMID: 27666373). To our knowledge, functional studies have not been reported for this variant. This variant has not been reported in individuals affected with BRCA2-related disorders in the literature. This variant has not been identified in the general population by the Genome Aggregation Database (gnomAD). The available evidence is insufficient to determine the role of this variant in disease conclusively. Therefore, this variant is classified as a Variant of Uncertain Significance.

Labcorp Genetics (formerly Invitae), Labcorp
Classification: Uncertain significance for Hereditary breast ovarian cancer syndrome. Last evaluated: 2022-03-30. Review status: criteria provided, single submitter. Criteria: Invitae Variant Classification Sherloc (09022015). Collection method: clinical testing. Allele origin: germline.
Comment: This sequence change replaces leucine, which is neutral and non-polar, with isoleucine, which is neutral and non-polar, at codon 557 of the BRCA2 protein (p.Leu557Ile). This variant is not present in population databases (gnomAD no frequency). In summary, the available evidence is currently insufficient to determine the role of this variant in disease. Therefore, it has been classified as a Variant of Uncertain Significance. Advanced modeling of protein sequence and biophysical properties (such as structural, functional, and spatial information, amino acid conservation, physicochemical variation, residue mobility, and thermodynamic stability) performed at Invitae indicates that this missense variant is not expected to disrupt BRCA2 protein function. ClinVar contains an entry for this variant (Variation ID: 185407). This variant has not been reported in the literature in individuals affected with BRCA2-related conditions.